The following is an entry in ClinVar:

ClinVar aggregate classification (germline): Uncertain significance (1 of 4 stars; one submission).

Submission:

GeneDx
Classification: Uncertain significance. Last evaluated: 2021-06-15. Review status: criteria provided, single submitter. Criteria: GeneDx Variant Classification Process June 2021. Collection method: clinical testing. Allele origin: germline. Affected: yes.
Comment: This variant is associated with the following publications: (PMID: 27535533)

NM_032229.3(SLITRK6):c.836C>A (p.Pro279His)

Gene: SLITRK6 (SLIT and NTRK like family member 6; minus strand). Cytogenetic location: 13q31.1.
Variant type: single nucleotide variant.
Coding change: c.836C>A on transcript NM_032229.3 (MANE Select); coding-DNA position 836, C replaced by A.
Protein change: p.Pro279His; replaces proline 279 with histidine.
Molecular consequence: missense variant.
Genome position (GRCh38, 1-based): chr13:85,795,673, G>T on the plus strand (C>A on the coding strand, the complement: SLITRK6 is on the minus strand). VCF-style: chr13-85795673-G-T. GRCh37 (hg19) VCF-style: chr13-86369808-G-T.
Other names: short protein forms P279H.
Identifiers: ClinVar variation 1328641 (VCV001328641.2), dbSNP rs2137169749, ClinGen allele CA388379443.